The following is an entry in ClinVar:

NM_013372.7(GREM1):c.425C>T (p.Ser142Phe)

Gene: GREM1 (gremlin 1, DAN family BMP antagonist; plus strand). Cytogenetic location: 15q13.3.
Variant type: single nucleotide variant.
Coding change: c.425C>T on transcript NM_013372.7 (MANE Select); coding-DNA position 425, C replaced by T.
Protein change: p.Ser142Phe; replaces serine 142 with phenylalanine.
Molecular consequence: missense variant.
Genome position (GRCh38, 1-based): chr15:32,731,115, C>T. VCF-style: chr15-32731115-C-T. GRCh37 (hg19) VCF-style: chr15-33023316-C-T.
Other names: c.215C>T, p.Ser72Phe (NM_001191322.2); c.302C>T, p.Ser101Phe (NM_001191323.2); c.425C>T, p.Ser142Phe (NM_001368719.1); short protein forms S142F, S101F, S72F.
Identifiers: ClinVar variation 2561095 (VCV002561095.2), dbSNP rs2548707956, ClinGen allele CA391557921.

ClinVar aggregate classification (germline): Uncertain significance (1 of 4 stars; one submission).

Conditions:
Hereditary cancer-predisposing syndrome. Also called: Neoplastic Syndromes, Hereditary; Hereditary Cancer Syndrome; Hereditary neoplastic syndrome; Tumor predisposition. Identifiers: Orphanet 140162, MedGen C0027672, MeSH D009386, MONDO:0015356.

Allele frequency attached by ClinVar (database versions not stated): gnomAD exomes below 0.00001.
gnomAD v4.1: 1 of 1,614,182 alleles (0.000062%); highest among the groups gnomAD compares: Non-Finnish European, 0.000085%; no homozygotes.

Submission:

Ambry Genetics
Classification: Uncertain significance for Hereditary cancer-predisposing syndrome. Last evaluated: 2023-03-26. Review status: criteria provided, single submitter. Criteria: Ambry Variant Classification Scheme 2023. Collection method: clinical testing. Allele origin: germline.
Comment: The p.S142F variant (also known as c.425C>T), located in coding exon 1 of the GREM1 gene, results from a C to T substitution at nucleotide position 425. The serine at codon 142 is replaced by phenylalanine, an amino acid with highly dissimilar properties. This amino acid position is conserved. In addition, the in silico prediction for this alteration is inconclusive. Since supporting evidence is limited at this time, the clinical significance of this alteration remains unclear.